The following is an entry in ClinVar:

NM_015512.5(DNAH1):c.4435G>C (p.Gly1479Arg)

Gene: DNAH1 (dynein axonemal heavy chain 1; plus strand). Cytogenetic location: 3p21.1.
Variant type: single nucleotide variant.
Coding change: c.4435G>C on transcript NM_015512.5 (MANE Select); coding-DNA position 4435, G replaced by C.
Protein change: p.Gly1479Arg; replaces glycine 1479 with arginine.
Molecular consequence: missense variant.
Genome position (GRCh38, 1-based): chr3:52,359,943, G>C. VCF-style: chr3-52359943-G-C. GRCh37 (hg19) VCF-style: chr3-52393959-G-C.
Other names: short protein forms G1479R.
Identifiers: ClinVar variation 854463 (VCV000854463.4), dbSNP rs371500729, ClinGen allele CA2433907.

ClinVar aggregate classification (germline): Uncertain significance (1 of 4 stars; one submission).

Conditions:
Spermatogenic failure 18. Identifiers: MedGen C4539783, MONDO:0054615, OMIM 617576.
Ciliary dyskinesia, primary, 37 (CILD37). Also called: CILIARY DYSKINESIA, PRIMARY, 37, WITH OR WITHOUT SITUS INVERSUS. Identifiers: MedGen C4539798, MONDO:0033204, OMIM 617577.

Allele frequency attached by ClinVar (database versions not stated): ExAC 0.00001; gnomAD exomes 0.00001; TOPMed 0.00002; ESP Exome Variant Server 0.00016.
gnomAD v4.1: 14 of 1,613,850 alleles (0.00087%); highest among the groups gnomAD compares: Admixed American, 0.0017%; no homozygotes.

Submission:

Labcorp Genetics (formerly Invitae), Labcorp
Classification: Uncertain significance for Ciliary dyskinesia, primary, 37; Spermatogenic failure 18. Last evaluated: 2021-08-24. Review status: criteria provided, single submitter. Criteria: Invitae Variant Classification Sherloc (09022015). Collection method: clinical testing. Allele origin: germline.
Comment: This sequence change replaces glycine with arginine at codon 1479 of the DNAH1 protein (p.Gly1479Arg). The glycine residue is highly conserved and there is a moderate physicochemical difference between glycine and arginine. This variant is present in population databases (rs371500729, ExAC 0.001%). This variant has not been reported in the literature in individuals affected with DNAH1-related conditions. Algorithms developed to predict the effect of missense changes on protein structure and function (SIFT, PolyPhen-2, Align-GVGD) all suggest that this variant is likely to be disruptive. In summary, the available evidence is currently insufficient to determine the role of this variant in disease. Therefore, it has been classified as a Variant of Uncertain Significance.